The following is an entry in ClinVar:

ClinVar aggregate classification (germline): Uncertain significance. Review status: criteria provided, multiple submitters, no conflicts (2 of 4 stars). 5 submissions from 5 submitters: Uncertain significance (3). 2 of the submissions do not count toward it. Last evaluated 2025-12-11.

Conditions:
CEP290-related disorder. Also called: CEP290-related condition; CEP290-related disorders. Identifiers: MedGen CN239314.
Inborn genetic diseases. Identifiers: MedGen C0950123, MeSH D030342.
Joubert syndrome. Also called: Familial aplasia of the vermis; CEREBELLOPARENCHYMAL DISORDER IV; JOUBERT-BOLTSHAUSER SYNDROME. Identifiers: Orphanet 475, MedGen C5979921, MONDO:0018772.
Meckel-Gruber syndrome. Also called: Dysencephalia splachnocystica; DYSENCEPHALIA SPLANCHNOCYSTICA; GRUBER SYNDROME. Identifiers: Orphanet 564, MedGen C0265215, MONDO:0018921.
Nephronophthisis. Also called: Juvenile Nephronophthisis. Identifiers: Orphanet 655, MedGen C0687120, MONDO:0019005, HP:0000090.
Leber congenital amaurosis (LCA). Also called: Leber's amaurosis. Identifiers: Orphanet 65, MedGen C0339527, MeSH D057130, MONDO:0018998.
Leber congenital amaurosis 10 (LCA10). Identifiers: Orphanet 65, MedGen C1857821, MONDO:0012723, OMIM 611755.
Meckel syndrome, type 4 (MKS4). Also called: MECKEL-GRUBER SYNDROME, TYPE 4. Identifiers: Orphanet 564, MedGen C1970161, MONDO:0012626, OMIM 611134.
Joubert syndrome 5 (JBTS5). Identifiers: Orphanet 2318, MedGen C1857780, MONDO:0012432, OMIM 610188.
Bardet-Biedl syndrome 14 (BBS14). Identifiers: Orphanet 110, MedGen C2673874, MONDO:0014442, OMIM 615991.
Senior-Loken syndrome 6 (SLSN6). Identifiers: Orphanet 3156, MedGen C1857779, MONDO:0012433, OMIM 610189.

Allele frequency attached by ClinVar (database versions not stated): ExAC 0.00001; gnomAD exomes 0.00001; gnomAD 0.00003; TOPMed 0.00003; ESP Exome Variant Server 0.00009.
gnomAD v4.1: 6 of 1,572,222 alleles (0.00038%); highest among the groups gnomAD compares: African/African-American, 0.0069%; no homozygotes.

Submissions (5):

Ambry Genetics
Classification: Uncertain significance for Inborn genetic diseases. Last evaluated: 2025-12-11. Review status: criteria provided, single submitter. Criteria: Ambry Variant Classification Scheme 2023. Collection method: clinical testing. Allele origin: germline.
Comment: The c.5552A>T (p.K1851I) alteration is located in exon 40 (coding exon 39) of the CEP290 gene. This alteration results from a A to T substitution at nucleotide position 5552, causing the lysine (K) at amino acid position 1851 to be replaced by an isoleucine (I). Based on data from gnomAD, the T allele has an overall frequency of 0.001% (2/219800) total alleles studied. The highest observed frequency was 0.007% (1/14524) of African alleles. Based on insufficient or conflicting evidence, the clinical significance of this alteration remains unclear.

Labcorp Genetics (formerly Invitae), Labcorp
Classification: Uncertain significance for Joubert syndrome; Meckel-Gruber syndrome; Nephronophthisis. Last evaluated: 2022-07-05. Review status: criteria provided, single submitter. Criteria: Invitae Variant Classification Sherloc (09022015). Collection method: clinical testing. Allele origin: germline.
Comment: This sequence change replaces lysine, which is basic and polar, with isoleucine, which is neutral and non-polar, at codon 1851 of the CEP290 protein (p.Lys1851Ile). This variant is present in population databases (rs372565248, gnomAD 0.007%). This variant has not been reported in the literature in individuals affected with CEP290-related conditions. ClinVar contains an entry for this variant (Variation ID: 1014096). Algorithms developed to predict the effect of missense changes on protein structure and function (SIFT, PolyPhen-2, Align-GVGD) all suggest that this variant is likely to be disruptive. In summary, the available evidence is currently insufficient to determine the role of this variant in disease. Therefore, it has been classified as a Variant of Uncertain Significance.

Fulgent Genetics
Classification: Uncertain significance for Joubert syndrome 5; Senior-Loken syndrome 6; Meckel syndrome, type 4; Leber congenital amaurosis 10; Bardet-Biedl syndrome 14. Last evaluated: 2022-04-27. Review status: criteria provided, single submitter. Criteria: ACMG Guidelines, 2015. Collection method: clinical testing. Allele origin: unknown.

PreventionGenetics, part of Exact Sciences
Classification: Uncertain significance for CEP290-related condition. Last evaluated: 2024-04-26. Review status: no assertion criteria provided. Collection method: clinical testing. Allele origin: germline. Not counted in ClinVar's aggregate classification.
Comment: The CEP290 c.5552A>T variant is predicted to result in the amino acid substitution p.Lys1851Ile. To our knowledge, this variant has not been reported in the literature. This variant is reported in 0.0069% of alleles in individuals of African descent in gnomAD. At this time, the clinical significance of this variant is uncertain due to the absence of conclusive functional and genetic evidence.

Natera, Inc.
Classification: Uncertain significance for Leber congenital amaurosis. Last evaluated: 2020-06-02. Review status: no assertion criteria provided. Collection method: clinical testing. Allele origin: germline. Not counted in ClinVar's aggregate classification.

NM_025114.4(CEP290):c.5552A>T (p.Lys1851Ile)

Gene: CEP290 (centrosomal protein 290; minus strand). Cytogenetic location: 12q21.32.
Variant type: single nucleotide variant.
Coding change: c.5552A>T on transcript NM_025114.4 (MANE Select); coding-DNA position 5552, A replaced by T.
Protein change: p.Lys1851Ile; replaces lysine 1851 with isoleucine.
Molecular consequence: missense variant.
Genome position (GRCh38, 1-based): chr12:88,077,731, T>A on the plus strand (A>T on the coding strand, the complement: CEP290 is on the minus strand). VCF-style: chr12-88077731-T-A. GRCh37 (hg19) VCF-style: chr12-88471508-T-A.
Other names: c.5552A>T (NM_025114.3); short protein forms K1851I.
Identifiers: ClinVar variation 1014096 (VCV001014096.10), dbSNP rs372565248, ClinGen allele CA6711701.